The following is an entry in ClinVar:

NM_017686.4(GDAP2):c.1465A>G (p.Thr489Ala)

Gene: GDAP2 (ganglioside induced differentiation associated protein 2; minus strand). Cytogenetic location: 1p12.
Variant type: single nucleotide variant.
Coding change: c.1465A>G on transcript NM_017686.4 (MANE Select); coding-DNA position 1465, A replaced by G.
Protein change: p.Thr489Ala; replaces threonine 489 with alanine.
Molecular consequence: missense variant.
Genome position (GRCh38, 1-based): chr1:117,870,598, T>C on the plus strand (A>G on the coding strand, the complement: GDAP2 is on the minus strand). VCF-style: chr1-117870598-T-C. GRCh37 (hg19) VCF-style: chr1-118413220-T-C.
Other names: p.Thr489Ala; short protein forms T489A.
Identifiers: ClinVar variation 3038943 (VCV003038943.3), dbSNP rs34924570, ClinGen allele CA1031337.

ClinVar aggregate classification (germline): Benign. Review status: criteria provided, single submitter (1 of 4 stars). 2 submissions from 2 submitters: Benign (1). 1 of the submissions does not count toward it. Last evaluated 2024-02-02.

Conditions:
GDAP2-related disorder. Also called: GDAP2-related condition.

Allele frequency attached by ClinVar (database versions not stated): ExAC 0.00370; ESP Exome Variant Server 0.01392; gnomAD 0.01166; 1000 Genomes Project 0.01338; 1000 Genomes Project 30x 0.01312; gnomAD exomes 0.00108; TOPMed 0.01250.
gnomAD v4.1: 3,387 of 1,604,450 alleles (0.21%); highest among the groups gnomAD compares: African/African-American, 4.1%; 65 homozygotes.

Submissions (2):

Mayo Clinic Laboratories, Mayo Clinic
Classification: Benign. Last evaluated: 2024-02-02. Review status: criteria provided, single submitter. Criteria: ACMG Guidelines, 2015. Collection method: clinical testing. Allele origin: germline. Observed: 4 variant alleles.
Comment: BS1, BS2, BP4

PreventionGenetics, part of Exact Sciences
Classification: Benign for GDAP2-related condition. Last evaluated: 2019-05-24. Review status: no assertion criteria provided. Collection method: clinical testing. Allele origin: germline. Not counted in ClinVar's aggregate classification.
Comment: This variant is classified as benign based on ACMG/AMP sequence variant interpretation guidelines (Richards et al. 2015 PMID: 25741868, with internal and published modifications).